The following is an entry in ClinVar:

ClinVar aggregate classification (germline): Uncertain significance (1 of 4 stars; one submission).

Submission:

GeneDx
Classification: Uncertain significance. Last evaluated: 2019-05-28. Review status: criteria provided, single submitter. Criteria: GeneDx Variant Classification Process June 2021. Collection method: clinical testing. Allele origin: germline. Affected: yes.
Comment: Frameshift variant predicted to result in protein truncation as the last 42 amino acids are lost and replaced with 19 incorrect amino acids, although loss-of-function variants have not been reported downstream of this position in the protein; Not observed in large population cohorts (Lek et al., 2016); Has not been previously published as pathogenic or benign to our knowledge

NM_001854.4(COL11A1):c.5294del (p.Lys1765fs)

Gene: COL11A1 (collagen type XI alpha 1 chain; minus strand). Cytogenetic location: 1p21.1.
Variant type: Deletion.
Coding change: c.5294del on transcript NM_001854.4 (MANE Select); coding-DNA position 5294, one base deleted (A; older notation c.5294delA).
Protein change: p.Lys1765fs; shifts the reading frame from lysine 1765.
Molecular consequence: frameshift variant. On other transcripts: non-coding transcript variant (1).
Genome position (GRCh38, 1-based): chr1:102,878,146, T deleted on the plus strand (A on the coding strand, the reverse complement: COL11A1 is on the minus strand); the first of 4 consecutive T bases (chr1:102,878,146-102,878,149); deleting any one gives the same sequence. VCF-style (leftmost placement, unchanged base first): chr1-102878145-CT-C. GRCh37 (hg19) VCF-style: chr1-103343701-CT-C.
Other names: c.5177del, p.Lys1726fs (NM_001190709.2); c.5330del, p.Lys1777fs (NM_080629.3); c.4946del, p.Lys1649fs (NM_080630.4); short protein forms K1649fs, K1726fs, K1765fs, K1777fs.
Identifiers: ClinVar variation 1306226 (VCV001306226.2), dbSNP rs2100996466, ClinGen allele CA2573051318.